The following is an entry in ClinVar:

ClinVar aggregate classification (germline): Likely pathogenic (1 of 4 stars; one submission).

Conditions:
Gorlin syndrome. Also called: Basal cell nevus syndrome; Nevoid Basal Cell Carcinoma Syndrome. Identifiers: Orphanet 377, MedGen C0004779, MONDO:0007187.

Submission:

GeneID Lab - Advanced Molecular Diagnostics
Classification: Likely pathogenic for Gorlin syndrome. Last evaluated: 2019-06-28. Review status: criteria provided, single submitter. Criteria: ACMG Guidelines, 2015. Collection method: clinical testing. Allele origin: germline. Affected: no. Observed: 1 variant allele.
Comment: This variant results in an amino acid alteration, replacing a lysine (K) with an arginine (R) at position 60 and creating a premature stop signal in the new reading frame p.Lys60Argfs*28. The substitution is predicted to result in a non-functional protein, either through protein truncation or nonsense-mediated mRNA decay. This variant has not been reported in the ClinVar Database (NCBI National Library of Medicine, NIH, Bethesda MD) and it has been reported in the gnomAD exomes database at a frequency of 0.000004. Based on these findings and the limited literature regarding this substitution we consider it as a “likely pathogenic variant”.

NM_001083603.3(PTCH1):c.179_180del (p.Lys60fs)

Gene: PTCH1 (patched 1; minus strand). Cytogenetic location: 9q22.32.
Variant type: Deletion.
Coding change: c.179_180del on transcript NM_001083603.3 (MANE Plus Clinical); coding-DNA positions 179 to 180, 2 bases deleted (AA; older notation c.179_180delAA).
Protein change: p.Lys60fs; shifts the reading frame from lysine 60.
Molecular consequence: frameshift variant. On other transcripts: 5 prime UTR variant (2).
Genome position (GRCh38, 1-based): chr9:95,516,641-95,516,642, TT deleted on the plus strand (AA on the coding strand, the reverse complement: PTCH1 is on the minus strand); deleting any 2 consecutive bases within chr9:95,516,641-95,516,643 gives the same sequence; the c. name uses the placement nearest the transcript's 3' end. VCF-style (leftmost placement, unchanged base first): chr9-95516640-CTT-C. GRCh37 (hg19) VCF-style: chr9-98278922-CTT-C.
Other names: c.179_180delAA (NM_001083603.3); c.-171_-170del (NM_001083602.3, NM_001354919.2); short protein forms K60fs.
Identifiers: ClinVar variation 1319968 (VCV001319968.4), dbSNP rs1447209500, ClinGen allele CA589265269.
Genomic context (GRCh38, chr9:95,516,640, plus strand): 5'-CGCTCCTCCGTCTTCTCCCAGTCTTCCCTCGTCTCCCCCTTGCCTTGTCGCTGCGGGTCT[CTT>C]TGTCTCCCCTGTCGTCTTTTTCTTCTCCTCCGTTTTCTTCTTCTTCTTCTCCTCCTCCTC-3'